The following is an entry in ClinVar:

ClinVar aggregate classification (germline): Uncertain significance (1 of 4 stars; one submission).

Submission:

Labcorp Genetics (formerly Invitae), Labcorp
Classification: Uncertain significance. Last evaluated: 2022-04-15. Review status: criteria provided, single submitter. Criteria: Invitae Variant Classification Sherloc (09022015). Collection method: clinical testing. Allele origin: germline.
Comment: This sequence change replaces glutamic acid, which is acidic and polar, with aspartic acid, which is acidic and polar, at codon 99 of the ASAH1 protein (p.Glu99Asp). This variant is not present in population databases (gnomAD no frequency). This variant has not been reported in the literature in individuals affected with ASAH1-related conditions. Algorithms developed to predict the effect of missense changes on protein structure and function (SIFT, PolyPhen-2, Align-GVGD) all suggest that this variant is likely to be tolerated. In summary, the available evidence is currently insufficient to determine the role of this variant in disease. Therefore, it has been classified as a Variant of Uncertain Significance.

NM_177924.5(ASAH1):c.297A>C (p.Glu99Asp)

Gene: ASAH1 (N-acylsphingosine amidohydrolase 1; minus strand). Cytogenetic location: 8p22.
Variant type: single nucleotide variant.
Coding change: c.297A>C on transcript NM_177924.5 (MANE Select); coding-DNA position 297, A replaced by C.
Protein change: p.Glu99Asp; replaces glutamic acid 99 with aspartic acid.
Molecular consequence: missense variant. On other transcripts: intron variant (1).
Genome position (GRCh38, 1-based): chr8:18,069,798, T>G on the plus strand (A>C on the coding strand, the complement: ASAH1 is on the minus strand). VCF-style: chr8-18069798-T-G. GRCh37 (hg19) VCF-style: chr8-17927307-T-G.
Other names: c.102A>C, p.Glu34Asp (NM_001363743.2); c.345A>C, p.Glu115Asp (NM_004315.6); c.285+1502A>C (NM_001127505.3); short protein forms E99D, E115D, E34D.
Identifiers: ClinVar variation 1525154 (VCV001525154.5), dbSNP rs1177344121, ClinGen allele CA370433026.